The following is an entry in ClinVar:

ClinVar aggregate classification (germline): Uncertain significance (1 of 4 stars; one submission).

Conditions:
Catecholaminergic polymorphic ventricular tachycardia (CVPT). Also called: Catecholamine-induced polymorphic ventricular tachycardia. Identifiers: Orphanet 3286, MedGen C5574922, MONDO:0017990.

Submission:

All of Us Research Program, National Institutes of Health
Classification: Uncertain significance for Catecholaminergic polymorphic ventricular tachycardia. Last evaluated: 2023-06-08. Review status: criteria provided, single submitter. Criteria: ACMG Guidelines, 2015. Collection method: clinical testing. Allele origin: germline. Inheritance: Autosomal dominant inheritance. Observed: 1 variant allele, 1 heterozygote.
Comment: This missense variant replaces phenylalanine with serine at codon 921 of the RYR2 protein. Computational prediction suggests that this variant may have deleterious impact on protein structure and function (internally defined REVEL score threshold >= 0.7, PMID: 27666373). To our knowledge, functional studies have not been reported for this variant. This variant has not been reported in individuals affected with RYR2-related disorders in the literature. This variant has not been identified in the general population by the Genome Aggregation Database (gnomAD). The available evidence is insufficient to determine the role of this variant in disease conclusively. Therefore, this variant is classified as a Variant of Uncertain Significance.

This study involves interpretation of variants in research participants for the purpose of population health screening. Participant phenotype was not available at the time of variant classification. Additional details can be found in publication PMID: 35346344, PMCID: PMC8962531

NM_001035.3(RYR2):c.2762T>C (p.Phe921Ser)

Gene: RYR2 (ryanodine receptor 2; plus strand). Cytogenetic location: 1q43.
Variant type: single nucleotide variant.
Coding change: c.2762T>C on transcript NM_001035.3 (MANE Select); coding-DNA position 2762, T replaced by C.
Protein change: p.Phe921Ser; replaces phenylalanine 921 with serine.
Molecular consequence: missense variant.
Genome position (GRCh38, 1-based): chr1:237,511,731, T>C. VCF-style: chr1-237511731-T-C. GRCh37 (hg19) VCF-style: chr1-237675031-T-C.
Other names: short protein forms F921S.
Identifiers: ClinVar variation 3071461 (VCV003071461.1), dbSNP rs2545966511, ClinGen allele CA345383382.